The following is an entry in ClinVar:

ClinVar aggregate classification (germline): Benign. Review status: criteria provided, multiple submitters, no conflicts (2 of 4 stars). 3 submissions from 3 submitters: Benign (3). Last evaluated 2021-07-08.

Conditions:
Neuronal ceroid lipofuscinosis 1 (CLN1). Also called: CEROID LIPOFUSCINOSIS, NEURONAL, 1, VARIABLE AGE AT ONSET; PPT1-Related Neuronal Ceroid-Lipofuscinosis. Identifiers: Orphanet 228329, MedGen C1850451, MONDO:0009744, OMIM 256730.

Allele frequency attached by ClinVar (database versions not stated): TOPMed 0.05098; gnomAD 0.05108 and 0.05258; 1000 Genomes Project 30x 0.05262; 1000 Genomes Project 0.05411; gnomAD exomes 0.06430 and 0.06900; ExAC 0.08731.
gnomAD v4.1: 60,179 of 908,922 alleles (6.6%); highest among the groups gnomAD compares: East Asian, 14%; 2,211 homozygotes.

Submissions (3):

Genome-Nilou Lab
Classification: Benign for Neuronal ceroid lipofuscinosis 1. Last evaluated: 2021-07-08. Review status: criteria provided, single submitter. Criteria: ACMG Guidelines, 2015. Collection method: clinical testing. Allele origin: germline. Affected: no.

GeneDx
Classification: Benign. Last evaluated: 2018-06-19. Review status: criteria provided, single submitter. Criteria: GeneDx Variant Classification (06012015). Collection method: clinical testing. Allele origin: germline. Affected: yes.
Comment: This variant is considered likely benign or benign based on one or more of the following criteria: it is a conservative change, it occurs at a poorly conserved position in the protein, it is predicted to be benign by multiple in silico algorithms, and/or has population frequency not consistent with disease.

Breakthrough Genomics
Classification: Benign. Review status: criteria provided, single submitter. Criteria: ACMG Guidelines, 2015. Collection method: not provided. Allele origin: germline. Inheritance: Autosomal recessive inheritance. Affected: yes.

NM_000310.4(PPT1):c.434-90G>C

Gene: PPT1 (palmitoyl-protein thioesterase 1; minus strand). Cytogenetic location: 1p34.2.
Variant type: single nucleotide variant.
Coding change: c.434-90G>C on transcript NM_000310.4 (MANE Select); 90 bases into the intron before coding-DNA position 434, G replaced by C.
Molecular consequence: intron variant.
Genome position (GRCh38, 1-based): chr1:40,089,602, C>G on the plus strand (G>C on the coding strand, the complement: PPT1 is on the minus strand). VCF-style: chr1-40089602-C-G. GRCh37 (hg19) VCF-style: chr1-40555274-C-G.
Other names: c.125-90G>C (NM_001142604.2); c.434-90G>C (NM_001363695.2).
Identifiers: ClinVar variation 673207 (VCV000673207.5), dbSNP rs6689837, ClinGen allele CA789705.
Genomic context (GRCh38, chr1:40,089,602, plus strand): 5'-CTTCAATAATGATGTATCGAATACCCACTATGCACAAGGCACTGTGAGAAACAAAATGAA[C>G]AGGACCAAACTCTGATTTCATTCACTTATTCCTCATGAAAATAAAGCGCAGAGAACTAAT-3'